The following is an entry in ClinVar:

NM_005094.4(SLC27A4):c.1207T>C (p.Cys403Arg)

Gene: SLC27A4 (solute carrier family 27 member 4; plus strand). Cytogenetic location: 9q34.11.
Variant type: single nucleotide variant.
Coding change: c.1207T>C on transcript NM_005094.4 (MANE Select); coding-DNA position 1207, T replaced by C.
Protein change: p.Cys403Arg; replaces cysteine 403 with arginine.
Molecular consequence: missense variant.
Genome position (GRCh38, 1-based): chr9:128,353,424, T>C. VCF-style: chr9-128353424-T-C. GRCh37 (hg19) VCF-style: chr9-131115703-T-C.
Other names: c.1207T>C (NM_005094.3); short protein forms C403R.
Identifiers: ClinVar variation 2909483 (VCV002909483.7), dbSNP rs770792971, ClinGen allele CA5261217.
Genomic context (GRCh38, chr9:128,353,424, plus strand): 5'-AGTTTTGGGCCCATGGTGAGAGAGCCCAGGCCCAAGTCTTGGCCTTCGCAGGTGGGGGCC[T>C]GTGGTTTCAATAGCCGCATCCTGTCCTTCGTGTACCCCATCCGGTTGGTACGTGTCAACG-3'
Protein context (NP_005085.2, residues 393-413): LGNFDSQVGA[Cys403Arg]GFNSRILSFV

ClinVar aggregate classification (germline): Conflicting classifications of pathogenicity. Review status: criteria provided, conflicting classifications (1 of 4 stars). 3 submissions from 3 submitters: Likely pathogenic (1); Uncertain significance (2). Last evaluated 2025-08-15.

Conditions:
Inborn genetic diseases. Identifiers: MedGen C0950123, MeSH D030342.

Allele frequency attached by ClinVar (database versions not stated): ExAC 0.00001; gnomAD 0.00001; gnomAD exomes 0.00001; TOPMed 0.00001.
gnomAD v4.1: 12 of 1,614,040 alleles (0.00074%); highest among the groups gnomAD compares: East Asian, 0.022%; no homozygotes.

Submissions (3):

Women's Health and Genetics/Laboratory Corporation of America, LabCorp
Classification: Uncertain significance. Last evaluated: 2025-08-15. Review status: criteria provided, single submitter. Criteria: LabCorp Variant Classification Summary - May 2015. Collection method: clinical testing. Allele origin: germline.
Comment: Variant summary: SLC27A4 c.1207T>C (p.Cys403Arg) results in a non-conservative amino acid change located in the AMP-dependent synthetase/ligase domain (IPR000873) of the encoded protein sequence. Algorithms developed to predict the effect of missense changes on protein structure and function are either unavailable or do not agree on the potential impact of this missense change. The variant allele was found at a frequency of 2.4e-05 in 251464 control chromosomes. The available data on variant occurrences in the general population are insufficient to allow any conclusion about variant significance. c.1207T>C has been observed in individual(s) affected with Lamellar Ichthyosis (internal_testing). These data do not allow any conclusion about variant significance. To our knowledge, no experimental evidence demonstrating an impact on protein function has been reported. ClinVar contains an entry for this variant (Variation ID: 2909483). Based on the evidence outlined above, the variant was classified as uncertain significance.

Ambry Genetics
Classification: Uncertain significance for Inborn genetic diseases. Last evaluated: 2024-05-07. Review status: criteria provided, single submitter. Criteria: Ambry Variant Classification Scheme 2023. Collection method: clinical testing. Allele origin: germline.

Labcorp Genetics (formerly Invitae), Labcorp
Classification: Likely pathogenic. Last evaluated: 2024-02-05. Review status: criteria provided, single submitter. Criteria: Invitae Variant Classification Sherloc (09022015). Collection method: clinical testing. Allele origin: germline.
Comment: This sequence change replaces cysteine, which is neutral and slightly polar, with arginine, which is basic and polar, at codon 403 of the SLC27A4 protein (p.Cys403Arg). This variant is present in population databases (rs770792971, gnomAD 0.03%). This missense change has been observed in individual(s) with ichthyosis prematurity syndrome (Invitae). In at least one individual the data is consistent with being in trans (on the opposite chromosome) from a pathogenic variant. Advanced modeling of protein sequence and biophysical properties (such as structural, functional, and spatial information, amino acid conservation, physicochemical variation, residue mobility, and thermodynamic stability) performed at Invitae indicates that this missense variant is expected to disrupt SLC27A4 protein function with a positive predictive value of 80%. In summary, the currently available evidence indicates that the variant is pathogenic, but additional data are needed to prove that conclusively. Therefore, this variant has been classified as Likely Pathogenic.